The following is an entry in ClinVar:

ClinVar aggregate classification (germline): Benign/Likely benign. Review status: criteria provided, multiple submitters, no conflicts (2 of 4 stars). 10 submissions from 9 submitters: Benign (6); Likely benign (3). 1 of the submissions does not count toward it. Last evaluated 2026-01-12.

Conditions:
TSC1-related disorder. Also called: TSC1-related condition.
Hereditary cancer-predisposing syndrome. Also called: Hereditary Cancer Syndrome; Neoplastic Syndromes, Hereditary; Hereditary neoplastic syndrome; Tumor predisposition. Identifiers: Orphanet 140162, MedGen C0027672, MeSH D009386, MONDO:0015356.
Tuberous sclerosis syndrome (TSC). Also called: Tuberous Sclerosis Complex; Tuberous sclerosis. Identifiers: Orphanet 805, MedGen C0041341, MONDO:0001734.
Isolated focal cortical dysplasia type II (FCORD2). Also called: Focal cortical dysplasia type II; CORTICAL DYSPLASIA OF TAYLOR. Identifiers: Orphanet 268994, MedGen C1846385, MONDO:0011818, OMIM 607341, HP:0032051.
Tuberous sclerosis 1 (TSC1). Identifiers: Orphanet 805, MedGen C1854465, MONDO:0008612, OMIM 191100.

Allele frequency attached by ClinVar (database versions not stated): gnomAD exomes 0.00002 and 0.00006; gnomAD 0.00005; TOPMed 0.00005; ExAC 0.00006.
gnomAD v4.1: 42 of 1,614,042 alleles (0.0026%); highest among the groups gnomAD compares: East Asian, 0.02%; no homozygotes.

Submissions (10):

Labcorp Genetics (formerly Invitae), Labcorp
Classification: Benign for Tuberous sclerosis 1. Last evaluated: 2026-01-12. Review status: criteria provided, single submitter. Criteria: Invitae Variant Classification Sherloc (09022015). Collection method: clinical testing. Allele origin: germline.

PreventionGenetics, part of Exact Sciences
Classification: Likely benign for TSC1-related condition. Last evaluated: 2025-12-31. Review status: criteria provided, single submitter. Criteria: ACMG Guidelines, 2015. Collection method: clinical testing. Allele origin: germline.
Comment: This variant is classified as likely benign based on ACMG/AMP sequence variant interpretation guidelines (Richards et al. 2015 PMID: 25741868, with internal and published modifications).

Myriad Genetics, Inc.
Classification: Benign for Tuberous sclerosis 1. Last evaluated: 2025-04-07. Review status: criteria provided, single submitter. Criteria: Myriad Autosomal Dominant, Autosomal Recessive and X-Linked Classification Criteria (2023). Collection method: clinical testing. Allele origin: unknown.
Comment: This variant is considered benign. This variant is a silent/synonymous amino acid change and it is not expected to impact splicing.

All of Us Research Program, National Institutes of Health
Classification: Benign for Tuberous sclerosis syndrome. Last evaluated: 2023-12-13. Review status: criteria provided, single submitter. Criteria: ACMG Guidelines, 2015. Collection method: clinical testing. Allele origin: germline. Inheritance: Autosomal dominant inheritance. Observed: 9 variant alleles, 9 heterozygotes.
Comment: This study involves interpretation of variants in research participants for the purpose of population health screening. Participant phenotype was not available at the time of variant classification. Additional details can be found in publication PMID: 35346344, PMCID: PMC8962531

Color Diagnostics, LLC DBA Color Health
Classification: Benign for Tuberous sclerosis syndrome. Last evaluated: 2022-05-17. Review status: criteria provided, single submitter. Criteria: ACMG Guidelines, 2015. Collection method: clinical testing. Allele origin: germline.

Genome-Nilou Lab
Classification: Benign for Tuberous sclerosis 1. Last evaluated: 2021-11-07. Review status: criteria provided, single submitter. Criteria: ACMG Guidelines, 2015. Collection method: clinical testing. Allele origin: germline. Affected: no.

Ambry Genetics
Classification: Likely benign for Hereditary cancer-predisposing syndrome. Last evaluated: 2018-09-29. Review status: criteria provided, single submitter. Criteria: Ambry Variant Classification Scheme 2023. Collection method: clinical testing. Allele origin: germline.

Illumina Laboratory Services, Illumina
Classification: Likely benign for Tuberous sclerosis 1. Last evaluated: 2018-01-12. Review status: criteria provided, single submitter. Criteria: ICSL Variant Classification Criteria 13 December 2019. Collection method: clinical testing. Allele origin: germline.
Comment: This variant was observed in the ICSL laboratory as part of a predisposition screen in an ostensibly healthy population. It had not been previously curated by ICSL or reported in the Human Gene Mutation Database (HGMD: prior to June 1st, 2018), and was therefore a candidate for classification through an automated scoring system. Utilizing variant allele frequency, disease prevalence and penetrance estimates, and inheritance mode, an automated score was calculated to assess if this variant is too frequent to cause the disease. Based on the score and internal cut-off values, a variant classified as likely benign is not then subjected to further curation. The score for this variant resulted in a classification of likely benign for this disease.

Illumina Laboratory Services, Illumina
Classification: Benign for Isolated focal cortical dysplasia type II. Last evaluated: 2018-01-12. Review status: criteria provided, single submitter. Criteria: ICSL Variant Classification Criteria 13 December 2019. Collection method: clinical testing. Allele origin: germline.
Comment: This variant was observed in the ICSL laboratory as part of a predisposition screen in an ostensibly healthy population. It had not been previously curated by ICSL or reported in the Human Gene Mutation Database (HGMD: prior to June 1st, 2018), and was therefore a candidate for classification through an automated scoring system. Utilizing variant allele frequency, disease prevalence and penetrance estimates, and inheritance mode, an automated score was calculated to assess if this variant is too frequent to cause the disease. Based on the score and internal cut-off values, a variant classified as benign is not then subjected to further curation. The score for this variant resulted in a classification of benign for this disease.

Tuberous sclerosis database (TSC1)
No classification provided. Condition: TSC. Review status: no classification provided. Criteria: Tuberous Sclerosis Database Assertion Criteria 2015. Collection method: curation. Allele origin: germline. Affected: yes. Not counted in ClinVar's aggregate classification.

NM_000368.5(TSC1):c.231C>T (p.Asn77=)

Gene: TSC1 (TSC complex subunit 1; minus strand). Cytogenetic location: 9q34.13.
Variant type: single nucleotide variant.
Coding change: c.231C>T on transcript NM_000368.5 (MANE Select); coding-DNA position 231, C replaced by T.
Protein change: p.Asn77=; no amino-acid change (asparagine 77 retained).
Molecular consequence: synonymous variant. On other transcripts: 5 prime UTR variant (1), intron variant (1).
Genome position (GRCh38, 1-based): chr9:132,925,719, G>A on the plus strand (C>T on the coding strand, the complement: TSC1 is on the minus strand). VCF-style: chr9-132925719-G-A. GRCh37 (hg19) VCF-style: chr9-135801106-G-A.
Other names: c.231C>T, p.Asn77= (NM_001162426.2); c.-133C>T (NM_001362177.2); c.210+1482C>T (NM_001162427.2).
Identifiers: ClinVar variation 64750 (VCV000064750.24), dbSNP rs397514809, ClinGen allele CA006294.